The following is an entry in ClinVar:

ClinVar aggregate classification (germline): Likely pathogenic (1 of 4 stars; one submission).

Conditions:
Dilated cardiomyopathy 1G (CMD1G). Identifiers: Orphanet 154, MedGen C1858763, MONDO:0011400, OMIM 604145.
Autosomal recessive limb-girdle muscular dystrophy type 2J (LGMDR10). Also called: Limb-girdle muscular dystrophy, type 2J; MUSCULAR DYSTROPHY, LIMB-GIRDLE, AUTOSOMAL RECESSIVE 10. Identifiers: Orphanet 140922, MedGen C1837342, MONDO:0012127, OMIM 608807.

Allele frequency attached by ClinVar (database versions not stated): TOPMed below 0.00001; gnomAD 0.00001.

Submission:

Labcorp Genetics (formerly Invitae), Labcorp
Classification: Likely pathogenic for Dilated cardiomyopathy 1G; Autosomal recessive limb-girdle muscular dystrophy type 2J. Last evaluated: 2024-10-18. Review status: criteria provided, single submitter. Criteria: Invitae Variant Classification Sherloc (09022015). Collection method: clinical testing. Allele origin: germline.
Comment: This sequence change creates a premature translational stop signal (p.Pro5572Glnfs*4) in the TTN gene. While this is not anticipated to result in nonsense mediated decay, it is expected to create a truncated TTN protein. This variant is not present in population databases (gnomAD no frequency). This variant has not been reported in the literature in individuals affected with TTN-related conditions. This variant is located in the I band of TTN (PMID: 25589632). Truncating variants in this region have been reported in individuals affected with autosomal recessive centronuclear myopathy (PMID: 23975875, internal data). Truncating variants in this region have also been identified in individuals affected with autosomal dominant dilated cardiomyopathy and/or cardio-related conditions (PMID: 27869827, 32964742, internal data). In summary, the currently available evidence indicates that the variant is pathogenic, but additional data are needed to prove that conclusively. Therefore, this variant has been classified as Likely Pathogenic.

Literature cited by the submitters: PubMed 25589632; PubMed 23975875; PubMed 27869827; PubMed 32964742.

NM_001267550.2(TTN):c.16713del (p.Pro5572fs)

Gene: TTN (titin; minus strand). Cytogenetic location: 2q31.2.
Variant type: Deletion.
Coding change: c.16713del on transcript NM_001267550.2 (MANE Select); coding-DNA position 16713, one base deleted (T; older notation c.16713delT).
Protein change: p.Pro5572fs; shifts the reading frame from proline 5572.
Molecular consequence: frameshift variant. On other transcripts: intron variant (3).
Genome position (GRCh38, 1-based): chr2:178,732,256, A deleted on the plus strand (T on the coding strand, the reverse complement: TTN is on the minus strand). VCF-style (leftmost placement, unchanged base first): chr2-178732255-GA-G. GRCh37 (hg19) VCF-style: chr2-179596982-GA-G.
Other names: c.15762del, p.Pro5255fs (NM_001256850.1); c.12981del, p.Pro4328fs (NM_133378.4); c.13282+5826del (NM_003319.4); c.13858+5826del (NM_133437.4); c.13657+5826del (NM_133432.3); short protein forms P5255fs, P4328fs, P5572fs.
Identifiers: ClinVar variation 2946259 (VCV002946259.3), dbSNP rs1371670101, ClinGen allele CA761296025.
Genomic context (GRCh38, chr2:178,732,255, plus strand): 5'-TTCTGTGTTTGCTGCTCTCCTTAATTTCTCTATCATTTGCAAACCATGTTATTTTAATTG[GA>G]GGGGTACCAGTTACTTTGCAGGCTAGCTGGGTGGCATCTCCCTTCTTTAACAGCTGTGAT-3'